The following is an entry in ClinVar:

ClinVar aggregate classification (germline): Pathogenic/Likely pathogenic. Review status: criteria provided, multiple submitters, no conflicts (2 of 4 stars). 4 submissions from 4 submitters: Pathogenic (1); Likely pathogenic (3). Last evaluated 2025-02-25.

Conditions:
Hereditary cancer-predisposing syndrome. Also called: Tumor predisposition; Hereditary Cancer Syndrome; Neoplastic Syndromes, Hereditary; Hereditary neoplastic syndrome. Identifiers: Orphanet 140162, MedGen C0027672, MeSH D009386, MONDO:0015356.
Hereditary breast ovarian cancer syndrome. Also called: Hereditary breast and ovarian cancer; Breast and ovarian cancer; Hereditary breast and/or ovarian cancer syndrome; Hereditary breast and ovarian cancer syndrome; BRCA1- and BRCA2-Associated Hereditary Breast and Ovarian Cancer; Hereditary breast and ovarian cancer syndrome (HBOC). Identifiers: Orphanet 145, MedGen C0677776, MeSH D061325, MONDO:0003582. Disease mechanism: loss of function.
Familial cancer of breast. Also called: BREAST CANCER, FAMILIAL; Hereditary breast cancer; hereditary breast carcinoma. Identifiers: Orphanet 227535, MedGen C0346153, MONDO:0016419, OMIM 114480. Disease mechanism: loss of function.

Submissions (4):

Ambry Genetics
Classification: Pathogenic for Hereditary cancer-predisposing syndrome. Last evaluated: 2025-02-25. Review status: criteria provided, single submitter. Criteria: Ambry Variant Classification Scheme 2023. Collection method: clinical testing. Allele origin: germline.
Comment: The c.908+2T>C pathogenic intronic variant results from a T to C substitution two nucleotides after coding exon 7 in the CHEK2 gene. This nucleotide position is highly conserved in available vertebrate species. In silico splice site analysis predicts that this alteration will weaken the native splice donor site. RNA studies have demonstrated that this alteration results in abnormal splicing in the set of samples tested (Ambry internal data). Another alteration impacting the same donor site (c.908+3A>T) has been demonstrated to result abnormal splicing in the set of samples tested (Ambry internal data). Alterations that disrupt the canonical splice site are expected to cause aberrant splicing, resulting in an abnormal protein or a transcript that is subject to nonsense-mediated mRNA decay. Based on the supporting evidence, this alteration is interpreted as a disease-causing mutation.

Myriad Genetics, Inc.
Classification: Likely pathogenic for Familial cancer of breast. Last evaluated: 2023-06-27. Review status: criteria provided, single submitter. Criteria: Myriad Autosomal Dominant, Autosomal Recessive and X-Linked Classification Criteria (2023). Collection method: clinical testing. Allele origin: unknown.
Comment: This variant is considered likely pathogenic. This variant occurs within a consensus splice junction and is predicted to result in abnormal mRNA splicing of either an out-of-frame exon or an in-frame exon necessary for protein stability and/or normal function.

Labcorp Genetics (formerly Invitae), Labcorp
Classification: Likely pathogenic for Familial cancer of breast. Last evaluated: 2023-04-06. Review status: criteria provided, single submitter. Criteria: Invitae Variant Classification Sherloc (09022015). Collection method: clinical testing. Allele origin: germline.
Comment: In summary, the currently available evidence indicates that the variant is pathogenic, but additional data are needed to prove that conclusively. Therefore, this variant has been classified as Likely Pathogenic. Algorithms developed to predict the effect of sequence changes on RNA splicing suggest that this variant may disrupt the consensus splice site. ClinVar contains an entry for this variant (Variation ID: 822988). Disruption of this splice site has been observed in individual(s) with breast cancer (PMID: 31742824). This variant is not present in population databases (gnomAD no frequency). This sequence change affects a donor splice site in intron 8 of the CHEK2 gene. It is expected to disrupt RNA splicing. Variants that disrupt the donor or acceptor splice site typically lead to a loss of protein function (PMID: 16199547), and loss-of-function variants in CHEK2 are known to be pathogenic (PMID: 21876083, 24713400).

Women's Health and Genetics/Laboratory Corporation of America, LabCorp
Classification: Likely pathogenic for Hereditary breast ovarian cancer syndrome. Last evaluated: 2022-09-30. Review status: criteria provided, single submitter. Criteria: LabCorp Variant Classification Summary - May 2015. Collection method: clinical testing. Allele origin: germline.
Comment: Variant summary: CHEK2 c.908+2T>C is located in a canonical splice-site and is predicted to affect mRNA splicing resulting in a significantly altered protein due to either exon skipping, shortening, or inclusion of intronic material. Multiple computational tools predict a significant impact on normal splicing: two predict the variant abolishes a canonical 5' splicing donor site, while one predicts the variant has no significant impact on splicing. However, these predictions have yet to be confirmed by functional studies. The variant was absent in 199622 control chromosomes (gnomAD). c.908+2T>C has been reported in the literature in a proactive screening study, however no phenotype details were provided (Haverfield_2021). Therefore. this report does not provide unequivocal conclusions about association of the variant with Hereditary Breast and Ovarian Cancer Syndrome. Other variants affecting the same splice-site have been reported in affected individuals (HGMD). To our knowledge, no experimental evidence demonstrating an impact on splicing or protein function has been reported. Two clinical diagnostic laboratories have submitted clinical-significance assessments for this variant to ClinVar after 2014 without evidence for independent evaluation. Both classified the variant as likely pathogenic. Based on the evidence outlined above, the variant was classified as likely pathogenic.

Literature cited by the submitters: PubMed 21876083 (cited by Ambry Genetics and Labcorp Genetics (formerly Invitae), Labcorp); PubMed 24713400 (cited by Ambry Genetics and Labcorp Genetics (formerly Invitae), Labcorp); PubMed 31742824 (cited by Labcorp Genetics (formerly Invitae), Labcorp); PubMed 16199547 (cited by Labcorp Genetics (formerly Invitae), Labcorp); PubMed 34404389 (cited by Women's Health and Genetics/Laboratory Corporation of America, LabCorp).

NM_007194.4(CHEK2):c.908+2T>C

Gene: CHEK2 (checkpoint kinase 2; minus strand). Cytogenetic location: 22q12.1.
Variant type: single nucleotide variant.
Coding change: c.908+2T>C on transcript NM_007194.4 (MANE Select); the canonical splice donor site of the intron after coding-DNA position 908, T replaced by C.
Molecular consequence: splice donor variant.
Genome position (GRCh38, 1-based): chr22:28,703,503, A>G on the plus strand (T>C on the coding strand, the complement: CHEK2 is on the minus strand). VCF-style: chr22-28703503-A-G. GRCh37 (hg19) VCF-style: chr22-29099491-A-G.
Other names: c.245+2T>C (NM_001437942.1, NM_001257387.3); c.707+2T>C (NM_001349956.3); c.908+2T>C (NM_145862.3); c.1001+2T>C (NM_001438295.1, NM_001438293.1); c.1037+2T>C (NM_001438294.1, NM_001005735.3).
Identifiers: ClinVar variation 822988 (VCV000822988.17), dbSNP rs1601752066, ClinGen allele CA411100867.
Genomic context (GRCh38, chr22:28,703,503, plus strand): 5'-CTTTGGTGGCTTTATAAAGCATTTGAATGGAAACAGAAATTTTTAAAAAGTTTACTACTT[A>G]CAATTCCAAAACAATATAATAATCTTCTGCATCAAAAAAGTTTTTAATCTTGATGATGCA-3'